The following is an entry in ClinVar:

ClinVar aggregate classification (germline): Benign. Review status: criteria provided, multiple submitters, no conflicts (2 of 4 stars). 2 submissions from 2 submitters: Benign (2). Last evaluated 2018-06-14.

Allele frequency attached by ClinVar (database versions not stated): 1000 Genomes Project 30x 0.52498; 1000 Genomes Project 0.52696; TOPMed 0.55109; gnomAD 0.55919 and 0.56631.
gnomAD v4.1: 343,910 of 631,792 alleles (54%); highest among the groups gnomAD compares: African/African-American, 60%; 95,557 homozygotes.

Submissions (2):

GeneDx
Classification: Benign. Last evaluated: 2018-06-14. Review status: criteria provided, single submitter. Criteria: GeneDx Variant Classification (06012015). Collection method: clinical testing. Allele origin: germline. Affected: yes.
Comment: This variant is considered likely benign or benign based on one or more of the following criteria: it is a conservative change, it occurs at a poorly conserved position in the protein, it is predicted to be benign by multiple in silico algorithms, and/or has population frequency not consistent with disease.

Breakthrough Genomics
Classification: Benign. Review status: criteria provided, single submitter. Criteria: ACMG Guidelines, 2015. Collection method: not provided. Allele origin: germline. Inheritance: Autosomal recessive inheritance. Affected: yes.

NM_001330078.2(NRXN1):c.3244+131A>T

Gene: NRXN1 (neurexin 1; minus strand). Cytogenetic location: 2p16.3.
Variant type: single nucleotide variant.
Coding change: c.3244+131A>T on transcript NM_001330078.2 (MANE Select); 131 bases into the intron after coding-DNA position 3244, A replaced by T.
Molecular consequence: intron variant.
Genome position (GRCh38, 1-based): chr2:50,472,167, T>A on the plus strand (A>T on the coding strand, the complement: NRXN1 is on the minus strand). VCF-style: chr2-50472167-T-A. GRCh37 (hg19) VCF-style: chr2-50699305-T-A.
Other names: c.3133+131A>T (NM_001330096.2, NM_001330087.2); c.3178+131A>T (NM_001330083.2, NM_001330084.2); c.3163+131A>T (NM_001330088.2); c.3241+131A>T (NM_001330093.2); c.3232+131A>T (NM_001330094.2); c.3193+131A>T (NM_001330095.2); c.3220+131A>T (NM_001330082.2, NM_001330077.2); c.3217+131A>T (NM_001330085.2); and 2 more.
Identifiers: ClinVar variation 667706 (VCV000667706.2), dbSNP rs2075234, ClinGen allele CA47329576.